The following is an entry in ClinVar:

ClinVar aggregate classification (germline): Uncertain significance (1 of 4 stars; one submission).

Conditions:
Epilepsy, familial adult myoclonic, 5 (EPEO5). Also called: CORTICAL MYOCLONIC TREMOR WITH EPILEPSY, FAMILIAL, 5. Identifiers: Orphanet 86814, MedGen C3809374, MONDO:0014167, OMIM 615400.

Allele frequency attached by ClinVar (database versions not stated): gnomAD exomes below 0.00001.
gnomAD v4.1: 3 of 1,613,956 alleles (0.00019%); highest among the groups gnomAD compares: Non-Finnish European, 0.00025%; no homozygotes.

Submission:

Labcorp Genetics (formerly Invitae), Labcorp
Classification: Uncertain significance for Epilepsy, familial adult myoclonic, 5. Last evaluated: 2023-08-04. Review status: criteria provided, single submitter. Criteria: Invitae Variant Classification Sherloc (09022015). Collection method: clinical testing. Allele origin: germline.
Comment: This sequence change replaces aspartic acid, which is acidic and polar, with asparagine, which is neutral and polar, at codon 839 of the CNTN2 protein (p.Asp839Asn). This variant is not present in population databases (gnomAD no frequency). This variant has not been reported in the literature in individuals affected with CNTN2-related conditions. ClinVar contains an entry for this variant (Variation ID: 2030102). Advanced modeling of protein sequence and biophysical properties (such as structural, functional, and spatial information, amino acid conservation, physicochemical variation, residue mobility, and thermodynamic stability) performed at Invitae indicates that this missense variant is not expected to disrupt CNTN2 protein function. In summary, the available evidence is currently insufficient to determine the role of this variant in disease. Therefore, it has been classified as a Variant of Uncertain Significance.

NM_005076.5(CNTN2):c.2515G>A (p.Asp839Asn)

Gene: CNTN2 (contactin 2; plus strand). Cytogenetic location: 1q32.1.
Variant type: single nucleotide variant.
Coding change: c.2515G>A on transcript NM_005076.5 (MANE Select); coding-DNA position 2515, G replaced by A.
Protein change: p.Asp839Asn; replaces aspartic acid 839 with asparagine.
Molecular consequence: missense variant. On other transcripts: non-coding transcript variant (1).
Genome position (GRCh38, 1-based): chr1:205,070,509, G>A. VCF-style: chr1-205070509-G-A. GRCh37 (hg19) VCF-style: chr1-205039637-G-A.
Other names: c.2515G>A, p.Asp839Asn (NM_001346083.2); short protein forms D839N.
Identifiers: ClinVar variation 2030102 (VCV002030102.4), dbSNP rs2526418022, ClinGen allele CA344380550.